The following is an entry in ClinVar:

NM_001103.4(ACTN2):c.2526+8T>C

Gene: ACTN2 (actinin alpha 2; plus strand). Cytogenetic location: 1q43.
Variant type: single nucleotide variant.
Coding change: c.2526+8T>C on transcript NM_001103.4 (MANE Select); 8 bases into the intron after coding-DNA position 2526, T replaced by C.
Molecular consequence: intron variant.
Genome position (GRCh38, 1-based): chr1:236,761,181, T>C. VCF-style: chr1-236761181-T-C. GRCh37 (hg19) VCF-style: chr1-236924481-T-C.
Other names: c.1902+8T>C (NM_001278344.2); c.2526+8T>C (NM_001278343.2).
Identifiers: ClinVar variation 377439 (VCV000377439.10), dbSNP rs760086675, ClinGen allele CA1473462.
Genomic context (GRCh38, chr1:236,761,181, plus strand): 5'-CCGACACTGCCGAGCAGGTCATCGCCTCCTTCCGGATCCTGGCTTCTGATAAGGTCTGCA[T>C]TGACAGATTTCCTTCTGCTTTAGCAGGAGTCCACTACATCCTTCTAACAAAAAAGGCAAC-3'

ClinVar aggregate classification (germline): Benign/Likely benign. Review status: criteria provided, multiple submitters, no conflicts (2 of 4 stars). 2 submissions from 2 submitters: Benign (1); Likely benign (1). Last evaluated 2025-08-26.

Conditions:
Primary familial hypertrophic cardiomyopathy (HCM). Identifiers: Orphanet 99739, MedGen C0949658, MeSH D024741, MONDO:0024573. Inheritance: Various modes of inheritance.
Dilated cardiomyopathy 1AA (CMD1AA). Also called: Cardiomyopathy, dilated, 1AA, with or without LVNC; CARDIOMYOPATHY, DILATED, 1AA, WITH OR WITHOUT LEFT VENTRICULAR NONCOMPACTION; CARDIOMYOPATHY, FAMILIAL HYPERTROPHIC, 23, WITH OR WITHOUT LEFT VENTRICULAR NONCOMPACTION. Identifiers: Orphanet 154, MedGen C2677338, MONDO:0012808, OMIM 612158.

Allele frequency attached by ClinVar (database versions not stated): ExAC 0.00002; TOPMed 0.00002; gnomAD 0.00003; gnomAD exomes 0.00003 and 0.00007.
gnomAD v4.1: 99 of 1,614,018 alleles (0.0061%); highest among the groups gnomAD compares: South Asian, 0.015%; no homozygotes.

Submissions (2):

Labcorp Genetics (formerly Invitae), Labcorp
Classification: Likely benign for Primary familial hypertrophic cardiomyopathy; Dilated cardiomyopathy 1AA. Last evaluated: 2025-08-26. Review status: criteria provided, single submitter. Criteria: Invitae Variant Classification Sherloc (09022015). Collection method: clinical testing. Allele origin: germline.

GeneDx
Classification: Benign. Last evaluated: 2015-08-06. Review status: criteria provided, single submitter. Criteria: GeneDx Variant Classification (06012015). Collection method: clinical testing. Allele origin: germline. Affected: yes.
Comment: This variant is considered likely benign or benign based on one or more of the following criteria: it is a conservative change, it occurs at a poorly conserved position in the protein, it is predicted to be benign by multiple in silico algorithms, and/or has population frequency not consistent with disease.